The following is an entry in ClinVar:

NM_012431.3(SEMA3E):c.1240G>A (p.Ala414Thr)

Gene: SEMA3E (semaphorin 3E; minus strand). Cytogenetic location: 7q21.11.
Variant type: single nucleotide variant.
Coding change: c.1240G>A on transcript NM_012431.3 (MANE Select); coding-DNA position 1240, G replaced by A.
Protein change: p.Ala414Thr; replaces alanine 414 with threonine.
Molecular consequence: missense variant.
Genome position (GRCh38, 1-based): chr7:83,400,154, C>T on the plus strand (G>A on the coding strand, the complement: SEMA3E is on the minus strand). VCF-style: chr7-83400154-C-T. GRCh37 (hg19) VCF-style: chr7-83029470-C-T.
Other names: c.1060G>A, p.Ala354Thr (NM_001178129.2); c.1240G>A (NM_012431.2); short protein forms A414T, A354T.
Identifiers: ClinVar variation 2058879 (VCV002058879.5), dbSNP rs961836411, ClinGen allele CA161167060.
Genomic context (GRCh38, chr7:83,400,154, plus strand): 5'-TCAGGTTATATTTTCCATCTGTTTTTACCAATATTGGTTTTTTATGGGCAGGTTTTATGG[C>T]CTGGTACATTAGTGGATGACTTCTTGCAAATCGGATGGCATCATCAGGATAGTCCTTGGT-3'
Protein context (NP_036563.1, residues 404-424): FARSHPLMYQ[Ala414Thr]IKPAHKKPIL

ClinVar aggregate classification (germline): Uncertain significance. Review status: criteria provided, multiple submitters, no conflicts (2 of 4 stars). 2 submissions from 2 submitters: Uncertain significance (2). Last evaluated 2025-08-12.

Conditions:
CHARGE syndrome (CHARGE). Also called: Hittner Hirsch Kreh syndrome; CHARGE ASSOCIATION--COLOBOMA, HEART ANOMALY, CHOANAL ATRESIA, RETARDATION, GENITAL AND EAR ANOMALIES; Coloboma, heart anomaly, choanal atresia, retardation, genital and ear anomalies; CHARGE association; Hall-Hittner syndrome. Identifiers: Orphanet 138, MedGen C0265354, MONDO:0008965.

gnomAD v4.1: 15 of 1,613,924 alleles (0.00093%); highest among the groups gnomAD compares: Non-Finnish European, 0.0013%; no homozygotes.

Submissions (2):

Ambry Genetics
Classification: Uncertain significance. Last evaluated: 2025-08-12. Review status: criteria provided, single submitter. Criteria: Ambry Variant Classification Scheme 2023. Collection method: clinical testing. Allele origin: germline.

Labcorp Genetics (formerly Invitae), Labcorp
Classification: Uncertain significance for CHARGE syndrome. Last evaluated: 2022-08-19. Review status: criteria provided, single submitter. Criteria: Invitae Variant Classification Sherloc (09022015). Collection method: clinical testing. Allele origin: germline.
Comment: This variant has not been reported in the literature in individuals affected with SEMA3E-related conditions. Algorithms developed to predict the effect of missense changes on protein structure and function output the following: SIFT: "Deleterious"; PolyPhen-2: "Benign"; Align-GVGD: "Class C0". The threonine amino acid residue is found in multiple mammalian species, which suggests that this missense change does not adversely affect protein function. In summary, the available evidence is currently insufficient to determine the role of this variant in disease. Therefore, it has been classified as a Variant of Uncertain Significance. This variant is not present in population databases (gnomAD no frequency). This sequence change replaces alanine, which is neutral and non-polar, with threonine, which is neutral and polar, at codon 414 of the SEMA3E protein (p.Ala414Thr).